The following is an entry in ClinVar:

ClinVar aggregate classification (germline): Uncertain significance (1 of 4 stars; one submission).

Conditions:
Neurofibromatosis, type 1 (NF1). Also called: VON RECKLINGHAUSEN DISEASE; Neurofibromatosis, type I; Peripheral type neurofibromatosis; NEUROFIBROMATOSIS, TYPE I, SOMATIC. Identifiers: Orphanet 636, MedGen C0027831, MONDO:0018975, OMIM 162200. Disease mechanism: loss of function.

Submission:

Labcorp Genetics (formerly Invitae), Labcorp
Classification: Uncertain significance for Neurofibromatosis, type 1. Last evaluated: 2023-12-17. Review status: criteria provided, single submitter. Criteria: Invitae Variant Classification Sherloc (09022015). Collection method: clinical testing. Allele origin: unknown.
Comment: This variant results in a copy number gain of the genomic region encompassing exon(s) 3 of the NF1 gene. While the exact position of this variant cannot be determined from the data, sub-genic copy number gains are generally in tandem (PMID: 25640679). This variant is predicted to be in-frame, and likely preserves the integrity of the reading frame. This variant has not been reported in the literature in individuals affected with NF1-related conditions. In summary, the available evidence is currently insufficient to determine the role of this variant in disease. Therefore, it has been classified as a Variant of Uncertain Significance.

Literature cited by the submitters: PubMed 25640679.

NC_000017.10:g.(?_29486018)_(29488136_?)dup

Gene: NF1 (neurofibromin 1; plus strand). Cytogenetic location: 17q11.2.
Variant type: Duplication.
Identifiers: ClinVar variation 3242889 (VCV003242889.1).